The following is an entry in ClinVar:

ClinVar aggregate classification (germline): Uncertain significance (1 of 4 stars; one submission).

Conditions:
Cardiovascular phenotype. Identifiers: MedGen CN230736.

Allele frequency attached by ClinVar (database versions not stated): gnomAD exomes 0.00001.
gnomAD v4.1: 8 of 1,613,894 alleles (0.0005%); highest among the groups gnomAD compares: Non-Finnish European, 0.00068%; no homozygotes.

Submission:

Ambry Genetics
Classification: Uncertain significance for Cardiovascular phenotype. Last evaluated: 2023-03-16. Review status: criteria provided, single submitter. Criteria: Ambry Variant Classification Scheme 2023. Collection method: clinical testing. Allele origin: germline.
Comment: The p.T2419N variant (also known as c.7256C>A), located in coding exon 31 of the AKAP9 gene, results from a C to A substitution at nucleotide position 7256. The threonine at codon 2419 is replaced by asparagine, an amino acid with similar properties. This amino acid position is conserved. In addition, this alteration is predicted to be tolerated by in silico analysis. Since supporting evidence is limited at this time, the clinical significance of this alteration remains unclear.

NM_005751.5(AKAP9):c.7256C>A (p.Thr2419Asn)

Gene: AKAP9 (A-kinase anchoring protein 9; plus strand). Cytogenetic location: 7q21.2.
Variant type: single nucleotide variant.
Coding change: c.7256C>A on transcript NM_005751.5 (MANE Select); coding-DNA position 7256, C replaced by A.
Protein change: p.Thr2419Asn; replaces threonine 2419 with asparagine.
Molecular consequence: missense variant.
Genome position (GRCh38, 1-based): chr7:92,079,389, C>A. VCF-style: chr7-92079389-C-A. GRCh37 (hg19) VCF-style: chr7-91708703-C-A.
Other names: c.1901C>A, p.Thr634Asn (NM_001379277.1); c.7232C>A, p.Thr2411Asn (NM_147185.3); short protein forms T2419N, T634N, T2411N.
Identifiers: ClinVar variation 2560658 (VCV002560658.2), dbSNP rs2535245025, ClinGen allele CA368135324.
Genomic context (GRCh38, chr7:92,079,389, plus strand): 5'-AACAGCAAGTAGAAACCGCTAATGAAGAAATGACCTTCATGAAAAATGTACTTAAAGAAA[C>A]CAATTTTAAAATGAATCAGCTAACACAGGAATTATTCAGCTTAAAGAGAGAACGTGAAAG-3'
Protein context (NP_005742.4, residues 2409-2429): MTFMKNVLKE[Thr2419Asn]NFKMNQLTQE